The following is an entry in ClinVar:

NM_001378457.1(DMXL2):c.1737dup (p.His580fs)

Gene: DMXL2 (Dmx like 2; minus strand). Cytogenetic location: 15q21.2.
Variant type: Duplication.
Coding change: c.1737dup on transcript NM_001378457.1 (MANE Select); coding-DNA position 1737, one base duplicated (A; older notation c.1737dupA).
Protein change: p.His580fs; shifts the reading frame from histidine 580.
Molecular consequence: frameshift variant. On other transcripts: non-coding transcript variant (2).
Genome position (GRCh38, 1-based): chr15:51,536,743, T duplicated on the plus strand (A on the coding strand, the reverse complement: DMXL2 is on the minus strand). VCF-style (leftmost placement, unchanged base first): chr15-51536742-G-GT. GRCh37 (hg19) VCF-style: chr15-51828939-G-GT.
Other names: c.1737dup, p.His580fs (NM_001174116.3, NM_001174117.3, NM_001378458.1 and 6 more transcripts); c.1497dup, p.His500fs (NM_001378464.1); short protein forms H500fs, H580fs.
Identifiers: ClinVar variation 4767207 (VCV004767207.1).
Genomic context (GRCh38, chr15:51,536,742, plus strand): 5'-TGTGGGATCTAGAGTGTGGCTGTGATCCGTGAGGACTGCCTACAGACATCCCCTCCTGGT[G>GT]TAACAGCGTGTGGTGAGAATCTTTTGTCGCATTTATACAGGCATACATCATGATATTTTT-3'

ClinVar aggregate classification (germline): Pathogenic (1 of 4 stars; one submission).

Submission:

Labcorp Genetics (formerly Invitae), Labcorp
Classification: Pathogenic. Last evaluated: 2025-03-13. Review status: criteria provided, single submitter. Criteria: Invitae Variant Classification Sherloc (09022015). Collection method: clinical testing. Allele origin: germline.
Comment: This sequence change creates a premature translational stop signal (p.His580Thrfs*18) in the DMXL2 gene. It is expected to result in an absent or disrupted protein product. Loss-of-function variants in DMXL2 are known to be pathogenic (PMID: 30237576, 31688942). This variant is not present in population databases (gnomAD no frequency). This variant has not been reported in the literature in individuals affected with DMXL2-related conditions. For these reasons, this variant has been classified as Pathogenic.

Literature cited by the submitters: PubMed 30237576; PubMed 31688942.